The following is an entry in ClinVar:

NM_001673.5(ASNS):c.554del (p.Tyr185fs)

Genes: ASNS (asparagine synthetase (glutamine-hydrolyzing); minus strand), CZ1P-ASNS (CZ1P-ASNS readthrough; minus strand). Cytogenetic location: 7q21.3.
Variant type: Deletion.
Coding change: c.554del on transcript NM_001673.5 (MANE Select); coding-DNA position 554, one base deleted (A; older notation c.554delA).
Protein change: p.Tyr185fs; shifts the reading frame from tyrosine 185.
Molecular consequence: frameshift variant. On other transcripts: non-coding transcript variant (1).
Genome position (GRCh38, 1-based): chr7:97,859,332, T deleted on the plus strand (A on the coding strand, the reverse complement: ASNS is on the minus strand). VCF-style (leftmost placement, unchanged base first): chr7-97859331-AT-A. GRCh37 (hg19) VCF-style: chr7-97488643-AT-A.
Other names: c.491del, p.Tyr164fs (NM_001178075.2); c.305del, p.Tyr102fs (NM_001178076.2, NM_001178077.1); c.554del, p.Tyr185fs (NM_001352496.2, NM_133436.3, NM_183356.4); short protein forms Y102fs, Y185fs, Y164fs.
Identifiers: ClinVar variation 1418727 (VCV001418727.6), dbSNP rs2115660227, ClinGen allele CA2573142485.

ClinVar aggregate classification (germline): Pathogenic (1 of 4 stars; one submission).

Submission:

Labcorp Genetics (formerly Invitae), Labcorp
Classification: Pathogenic. Last evaluated: 2021-10-21. Review status: criteria provided, single submitter. Criteria: Invitae Variant Classification Sherloc (09022015). Collection method: clinical testing. Allele origin: germline.
Comment: For these reasons, this variant has been classified as Pathogenic. This variant has not been reported in the literature in individuals affected with ASNS-related conditions. This variant is not present in population databases (ExAC no frequency). This sequence change creates a premature translational stop signal (p.Tyr185Leufs*6) in the ASNS gene. It is expected to result in an absent or disrupted protein product. Loss-of-function variants in ASNS are known to be pathogenic (PMID: 27422383, 30057589).

Literature cited by the submitters: PubMed 27422383; PubMed 30057589.